The following is an entry in ClinVar:

ClinVar aggregate classification (germline): Uncertain significance (1 of 4 stars; one submission).

Conditions:
Autosomal recessive limb-girdle muscular dystrophy type 2A (LGMDR1). Also called: Muscular dystrophy, limb-girdle, type 2A, Amish; Limb-girdle muscular dystrophy, type 2A; Calpainopathy; LEYDEN-MOEBIUS MUSCULAR DYSTROPHY; MUSCULAR DYSTROPHY, PELVOFEMORAL. Identifiers: Orphanet 267, MedGen C1869123, MONDO:0009675, OMIM 253600. Disease mechanism: loss of function.

Submission:

Labcorp Genetics (formerly Invitae), Labcorp
Classification: Uncertain significance for Autosomal recessive limb-girdle muscular dystrophy type 2A. Last evaluated: 2022-07-19. Review status: criteria provided, single submitter. Criteria: Invitae Variant Classification Sherloc (09022015). Collection method: clinical testing. Allele origin: germline.
Comment: In summary, the available evidence is currently insufficient to determine the role of this variant in disease. Therefore, it has been classified as a Variant of Uncertain Significance. Algorithms developed to predict the effect of missense changes on protein structure and function are either unavailable or do not agree on the potential impact of this missense change (SIFT: "Deleterious"; PolyPhen-2: "Probably Damaging"; Align-GVGD: "Class C0"). This variant has not been reported in the literature in individuals affected with CAPN3-related conditions. This variant is not present in population databases (gnomAD no frequency). This sequence change replaces valine, which is neutral and non-polar, with glycine, which is neutral and non-polar, at codon 543 of the CAPN3 protein (p.Val543Gly).

NM_000070.3(CAPN3):c.1628T>G (p.Val543Gly)

Gene: CAPN3 (calpain 3; plus strand). Cytogenetic location: 15q15.1.
Variant type: single nucleotide variant.
Coding change: c.1628T>G on transcript NM_000070.3 (MANE Select); coding-DNA position 1628, T replaced by G.
Protein change: p.Val543Gly; replaces valine 543 with glycine.
Molecular consequence: missense variant.
Genome position (GRCh38, 1-based): chr15:42,402,885, T>G. VCF-style: chr15-42402885-T-G. GRCh37 (hg19) VCF-style: chr15-42695083-T-G.
Other names: c.1628T>G, p.Val543Gly (NM_024344.2); c.1484T>G, p.Val495Gly (NM_173087.2); c.92T>G, p.Val31Gly (NM_173088.2); c.*744T>G (NM_212464.2); c.*1321T>G (NM_212467.2); short protein forms V31G, V495G, V543G.
Identifiers: ClinVar variation 2053627 (VCV002053627.4), dbSNP rs2548279358, ClinGen allele CA392000274.